The following is an entry in ClinVar:

ClinVar aggregate classification (germline): Uncertain significance. Review status: criteria provided, single submitter (1 of 4 stars). 2 submissions from 2 submitters: Uncertain significance (1). 1 of the submissions does not count toward it. Last evaluated 2024-04-10.

Conditions:
Bardet-Biedl syndrome 2 (BBS2). Identifiers: Orphanet 110, MedGen C2936863, MONDO:0014432, OMIM 615981.
Retinitis pigmentosa 74 (RP74). Identifiers: Orphanet 791, MedGen C4225281, MONDO:0014692, OMIM 616562.
BBS2-related disorder. Also called: BBS2-related disorders; BBS2-related condition. Identifiers: MedGen CN239228.

Allele frequency attached by ClinVar (database versions not stated): gnomAD 0.00001; gnomAD exomes 0.00001; ExAC 0.00002; TOPMed 0.00002.
gnomAD v4.1: 15 of 1,612,550 alleles (0.00093%); highest among the groups gnomAD compares: South Asian, 0.013%; no homozygotes.

Submissions (2):

Fulgent Genetics
Classification: Uncertain significance for Bardet-Biedl syndrome 2; Retinitis pigmentosa 74. Last evaluated: 2024-04-10. Review status: criteria provided, single submitter. Criteria: ACMG Guidelines, 2015. Collection method: clinical testing. Allele origin: germline.

PreventionGenetics, part of Exact Sciences
Classification: Uncertain significance for BBS2-related condition. Last evaluated: 2024-01-12. Review status: no assertion criteria provided. Collection method: clinical testing. Allele origin: germline. Not counted in ClinVar's aggregate classification.
Comment: The BBS2 c.1700T>C variant is predicted to result in the amino acid substitution p.Ile567Thr. To our knowledge, this variant has not been reported in the literature. This variant is reported in 0.016% of alleles in individuals of South Asian descent in gnomAD. At this time, the clinical significance of this variant is uncertain due to the absence of conclusive functional and genetic evidence.

NM_031885.5(BBS2):c.1700T>C (p.Ile567Thr)

Gene: BBS2 (Bardet-Biedl syndrome 2; minus strand). Cytogenetic location: 16q13.
Variant type: single nucleotide variant.
Coding change: c.1700T>C on transcript NM_031885.5 (MANE Select); coding-DNA position 1700, T replaced by C.
Protein change: p.Ile567Thr; replaces isoleucine 567 with threonine.
Molecular consequence: missense variant. On other transcripts: non-coding transcript variant (5).
Genome position (GRCh38, 1-based): chr16:56,497,840, A>G on the plus strand (T>C on the coding strand, the complement: BBS2 is on the minus strand). VCF-style: chr16-56497840-A-G. GRCh37 (hg19) VCF-style: chr16-56531752-A-G.
Other names: c.1700T>C, p.Ile567Thr (NM_001377456.1); short protein forms I567T.
Identifiers: ClinVar variation 3058440 (VCV003058440.3), dbSNP rs756945477, ClinGen allele CA8065638.